The following is an entry in ClinVar:

ClinVar aggregate classification (germline): Pathogenic (1 of 4 stars; one submission).

Conditions:
Distal myopathy with posterior leg and anterior hand involvement. Also called: WILLIAMS DISTAL MYOPATHY. Identifiers: Orphanet 63273, MedGen C3279722, MONDO:0013550, OMIM 614065.
Myofibrillar myopathy 5. Also called: Filaminopathy (type); FILAMINOPATHY, AUTOSOMAL DOMINANT. Identifiers: Orphanet 171445, MedGen C1836050, MONDO:0012289, OMIM 609524.
Hypertrophic cardiomyopathy 26. Also called: Cardiomyopathy, familial hypertrophic, 26. Identifiers: Orphanet 75249, MedGen C4310749, MONDO:0014883, OMIM 617047.

Submission:

Labcorp Genetics (formerly Invitae), Labcorp
Classification: Pathogenic for Distal myopathy with posterior leg and anterior hand involvement; Myofibrillar myopathy 5; Hypertrophic cardiomyopathy 26. Last evaluated: 2022-11-28. Review status: criteria provided, single submitter. Criteria: Invitae Variant Classification Sherloc (09022015). Collection method: clinical testing. Allele origin: germline.
Comment: This sequence change creates a premature translational stop signal (p.Cys535*) in the FLNC gene. It is expected to result in an absent or disrupted protein product. Loss-of-function variants in FLNC are known to be pathogenic (PMID: 27908349). This variant is not present in population databases (gnomAD no frequency). This variant has not been reported in the literature in individuals affected with FLNC-related conditions. ClinVar contains an entry for this variant (Variation ID: 539354). For these reasons, this variant has been classified as Pathogenic.

Literature cited by the submitters: PubMed 27908349.

NM_001458.5(FLNC):c.1605C>A (p.Cys535Ter)

Gene: FLNC (filamin C; plus strand). Cytogenetic location: 7q32.1.
Variant type: single nucleotide variant.
Coding change: c.1605C>A on transcript NM_001458.5 (MANE Select); coding-DNA position 1605, C replaced by A.
Protein change: p.Cys535Ter; replaces cysteine 535 with a stop codon.
Molecular consequence: nonsense.
Genome position (GRCh38, 1-based): chr7:128,840,603, C>A. VCF-style: chr7-128840603-C-A. GRCh37 (hg19) VCF-style: chr7-128480657-C-A.
Other names: c.1605C>A, p.Cys535Ter (NM_001127487.2); short protein forms C535*.
Identifiers: ClinVar variation 539354 (VCV000539354.7), dbSNP rs199976790, ClinGen allele CA369226597.
Genomic context (GRCh38, chr7:128,840,603, plus strand): 5'-CTCAGAGGGCACAGAGGAGCCAGTGAAGGTGCGGGAGGCTGGGGATGGTGTGTTCGAGTG[C>A]GAGTACTACCCGGTGGTGCCTGGGAAGTATGTGGTGACCATCACGTGGGGCGGCTACGCC-3'